The following is an entry in ClinVar:

NM_005591.4(MRE11):c.153+1G>T

Gene: MRE11 (MRE11 double strand break repair nuclease; minus strand). Cytogenetic location: 11q21.
Variant type: single nucleotide variant.
Coding change: c.153+1G>T on transcript NM_005591.4 (MANE Select); the canonical splice donor site of the intron after coding-DNA position 153, G replaced by T.
Molecular consequence: splice donor variant.
Genome position (GRCh38, 1-based): chr11:94,490,832, C>A on the plus strand (G>T on the coding strand, the complement: MRE11 is on the minus strand). VCF-style: chr11-94490832-C-A. GRCh37 (hg19) VCF-style: chr11-94223998-C-A.
Other names: c.153+1G>T (NM_001330347.2, NM_005590.4).
Identifiers: ClinVar variation 1681641 (VCV001681641.8), dbSNP rs1195401812, ClinGen allele CA382380550.

ClinVar aggregate classification (germline): Likely pathogenic (1 of 4 stars; one submission).

Conditions:
Ataxia-telangiectasia-like disorder (ATLD). Identifiers: MedGen C1858391, MONDO:0011457.

Submission:

Labcorp Genetics (formerly Invitae), Labcorp
Classification: Likely pathogenic for Ataxia-telangiectasia-like disorder. Last evaluated: 2020-10-23. Review status: criteria provided, single submitter. Criteria: Invitae Variant Classification Sherloc (09022015). Collection method: clinical testing. Allele origin: germline.
Comment: In summary, the currently available evidence indicates that the variant is pathogenic, but additional data are needed to prove that conclusively. Therefore, this variant has been classified as Likely Pathogenic. Algorithms developed to predict the effect of sequence changes on RNA splicing suggest that this variant may disrupt the consensus splice site, but this prediction has not been confirmed by published transcriptional studies. This variant has not been reported in the literature in individuals with MRE11-related conditions. This variant is not present in population databases (ExAC no frequency). This sequence change affects a donor splice site in intron 3 of the MRE11 gene. It is expected to disrupt RNA splicing. Variants that disrupt the donor or acceptor splice site typically lead to a loss of protein function (PMID: 16199547), and loss-of-function variants in MRE11 are known to be pathogenic (PMID: 23080121, 23912341).

Literature cited by the submitters: PubMed 16199547; PubMed 23080121; PubMed 23912341.